The following is an entry in ClinVar:

NM_001375912.1(ZNF532):c.765C>T (p.Ser255=)

Gene: ZNF532 (zinc finger protein 532; plus strand). Cytogenetic location: 18q21.32.
Variant type: single nucleotide variant.
Coding change: c.765C>T on transcript NM_001375912.1 (MANE Select); coding-DNA position 765, C replaced by T.
Protein change: p.Ser255=; no amino-acid change (serine 255 retained).
Molecular consequence: synonymous variant. On other transcripts: non-coding transcript variant (2).
Genome position (GRCh38, 1-based): chr18:58,919,052, C>T. VCF-style: chr18-58919052-C-T. GRCh37 (hg19) VCF-style: chr18-56586284-C-T.
Other names: c.765C>T, p.Ser255= (NM_001318726.2, NM_001318727.2, NM_001318728.2 and 16 more transcripts).
Identifiers: ClinVar variation 3024966 (VCV003024966.22), dbSNP rs148024897, ClinGen allele CA8978271.
Genomic context (GRCh38, chr18:58,919,052, plus strand): 5'-GGAAAACAGAGTCCTAGATGGGAAGCTGAGCTCCGAGAAGAATGACACCAGCCTCCCCAG[C>T]GTTGCGCCATCAAAGACAAAGTCGTCCTCCAAGCTCTCGTCCTGCATCGCTGCCATCGCG-3'
Protein context (NP_001362841.1, residues 245-265): SSEKNDTSLP[Ser255=]VAPSKTKSSS

ClinVar aggregate classification (germline): Likely benign (1 of 4 stars; one submission).

Allele frequency attached by ClinVar (database versions not stated): 1000 Genomes Project 0.00100; 1000 Genomes Project 30x 0.00141; ExAC 0.00198; gnomAD 0.00230; TOPMed 0.00241; ESP Exome Variant Server 0.00323; gnomAD exomes 0.00373.
gnomAD v4.1: 5,756 of 1,613,972 alleles (0.36%); highest among the groups gnomAD compares: Non-Finnish European, 0.45%; 10 homozygotes.

Submission:

CeGaT Center for Human Genetics Tuebingen
Classification: Likely benign. Last evaluated: 2024-02-01. Review status: criteria provided, single submitter. Criteria: CeGaT Center For Human Genetics Tuebingen Variant Classification Criteria Version 2. Collection method: clinical testing. Allele origin: germline. Affected: yes. Observed: 1 variant allele.
Comment: ZNF532: BP4, BP7